The following is an entry in ClinVar:

ClinVar aggregate classification (germline): Likely benign (1 of 4 stars; one submission).

gnomAD v4.1: 8,195 of 1,554,724 alleles (0.53%); highest among the groups gnomAD compares: Non-Finnish European, 0.61%; 27 homozygotes.

Submission:

CeGaT Center for Human Genetics Tuebingen
Classification: Likely benign. Last evaluated: 2026-09-01. Review status: criteria provided, single submitter. Criteria: CeGaT Center For Human Genetics Tuebingen Variant Classification Criteria Version 2. Collection method: clinical testing. Allele origin: germline. Affected: yes. Observed: 1 variant allele.
Comment: NAA80: BP4, BS2

NM_001200016.2(NAA80):c.355G>A (p.Val119Ile)

Genes: HYAL3 (hyaluronidase 3; minus strand), NAA80 (N-alpha-acetyltransferase 80, NatH catalytic subunit; minus strand). Cytogenetic location: 3p21.31.
Variant type: single nucleotide variant.
Coding change: c.355G>A on transcript NM_001200016.2 (MANE Select); coding-DNA position 355, G replaced by A.
Protein change: p.Val119Ile; replaces valine 119 with isoleucine.
Molecular consequence: missense variant. On other transcripts: intron variant (5).
Genome position (GRCh38, 1-based): chr3:50,297,109, C>T on the plus strand (G>A on the coding strand, the complement: NAA80 is on the minus strand). VCF-style: chr3-50297109-C-T. GRCh37 (hg19) VCF-style: chr3-50334540-C-T.
Other names: c.355G>A, p.Val119Ile (NM_001200018.2); c.421G>A, p.Val141Ile (NM_012191.4); c.2+2104G>A (NM_001200032.2, NM_001200031.2); c.-17-1490G>A (NM_001200030.2, NM_003549.4, NM_001200029.2); short protein forms V119I, V141I.
Identifiers: ClinVar variation 5040794 (VCV005040794.1).